The following is an entry in ClinVar:

ClinVar aggregate classification (germline): Uncertain significance (1 of 4 stars; one submission).

Allele frequency attached by ClinVar (database versions not stated): gnomAD exomes below 0.00001; ExAC 0.00001; gnomAD 0.00001; TOPMed 0.00001.
gnomAD v4.1: 7 of 1,613,188 alleles (0.00043%); highest among the groups gnomAD compares: Non-Finnish European, 0.00051%; no homozygotes.

Submission:

Labcorp Genetics (formerly Invitae), Labcorp
Classification: Uncertain significance. Last evaluated: 2024-02-17. Review status: criteria provided, single submitter. Criteria: Invitae Variant Classification Sherloc (09022015). Collection method: clinical testing. Allele origin: germline.
Comment: This sequence change replaces glycine, which is neutral and non-polar, with glutamic acid, which is acidic and polar, at codon 525 of the MICAL1 protein (p.Gly525Glu). This variant is present in population databases (rs769430523, gnomAD 0.002%). This variant has not been reported in the literature in individuals affected with MICAL1-related conditions. ClinVar contains an entry for this variant (Variation ID: 1950134). Algorithms developed to predict the effect of missense changes on protein structure and function output the following: SIFT: "Not Available"; PolyPhen-2: "Benign"; Align-GVGD: "Not Available". The glutamic acid amino acid residue is found in multiple mammalian species, which suggests that this missense change does not adversely affect protein function. In summary, the available evidence is currently insufficient to determine the role of this variant in disease. Therefore, it has been classified as a Variant of Uncertain Significance.

NM_022765.4(MICAL1):c.1517G>A (p.Gly506Glu)

Gene: MICAL1 (microtubule associated monooxygenase, calponin and LIM domain containing 1; minus strand). Cytogenetic location: 6q21.
Variant type: single nucleotide variant.
Coding change: c.1517G>A on transcript NM_022765.4 (MANE Select); coding-DNA position 1517, G replaced by A.
Protein change: p.Gly506Glu; replaces glycine 506 with glutamic acid.
Molecular consequence: missense variant.
Genome position (GRCh38, 1-based): chr6:109,448,879, C>T on the plus strand (G>A on the coding strand, the complement: MICAL1 is on the minus strand). VCF-style: chr6-109448879-C-T. GRCh37 (hg19) VCF-style: chr6-109770082-C-T.
Other names: c.1259G>A, p.Gly420Glu (NM_001159291.2); c.1574G>A, p.Gly525Glu (NM_001286613.2); short protein forms G506E, G420E, G525E.
Identifiers: ClinVar variation 1950134 (VCV001950134.5), dbSNP rs769430523, ClinGen allele CA3953314.